The following is an entry in ClinVar:

ClinVar aggregate classification (germline): Likely benign (1 of 4 stars; one submission).

Conditions:
Ehlers-Danlos syndrome, classic type, 2 (EDSCL2). Also called: Ehlers-Danlos syndrome, type 2; Ehlers-Danlos syndrome type 2 (formerly); Ehlers-Danlos Syndrome, Classic Type, COL5A2-Related. Identifiers: Orphanet 287, Orphanet 90318, MedGen C0268336, MONDO:0019568, OMIM 130010.

Allele frequency attached by ClinVar (database versions not stated): 1000 Genomes Project 0.00100; TOPMed 0.00022; 1000 Genomes Project 30x 0.00078.

Submission:

Illumina Laboratory Services, Illumina
Classification: Likely benign for Ehlers-Danlos syndrome, classic type, 2. Last evaluated: 2018-01-13. Review status: criteria provided, single submitter. Criteria: ICSL Variant Classification Criteria 13 December 2019. Collection method: clinical testing. Allele origin: germline.
Comment: This variant was observed in the ICSL laboratory as part of a predisposition screen in an ostensibly healthy population. It had not been previously curated by ICSL or reported in the Human Gene Mutation Database (HGMD: prior to June 1st, 2018), and was therefore a candidate for classification through an automated scoring system. Utilizing variant allele frequency, disease prevalence and penetrance estimates, and inheritance mode, an automated score was calculated to assess if this variant is too frequent to cause the disease. Based on the score and internal cut-off values, a variant classified as likely benign is not then subjected to further curation. The score for this variant resulted in a classification of likely benign for this disease.

NM_000393.5(COL5A2):c.*1764G>T

Gene: COL5A2 (collagen type V alpha 2 chain; minus strand). Cytogenetic location: 2q32.2.
Variant type: single nucleotide variant.
Coding change: c.*1764G>T on transcript NM_000393.5 (MANE Select); 1764 bases downstream of the stop codon, G replaced by T.
Molecular consequence: 3 prime UTR variant.
Genome position (GRCh38, 1-based): chr2:189,032,306, C>A on the plus strand (G>T on the coding strand, the complement: COL5A2 is on the minus strand). VCF-style: chr2-189032306-C-A. GRCh37 (hg19) VCF-style: chr2-189897032-C-A.
Identifiers: ClinVar variation 333101 (VCV000333101.6), dbSNP rs554165132, ClinGen allele CA10613253.